The following is an entry in ClinVar:

NM_006745.5(MSMO1):c.352T>C (p.Tyr118His)

Gene: MSMO1 (methylsterol monooxygenase 1; plus strand). Cytogenetic location: 4q32.3.
Variant type: single nucleotide variant.
Coding change: c.352T>C on transcript NM_006745.5 (MANE Select); coding-DNA position 352, T replaced by C.
Protein change: p.Tyr118His; replaces tyrosine 118 with histidine.
Molecular consequence: missense variant. On other transcripts: 5 prime UTR variant (1).
Genome position (GRCh38, 1-based): chr4:165,337,885, T>C. VCF-style: chr4-165337885-T-C. GRCh37 (hg19) VCF-style: chr4-166259037-T-C.
Other names: c.-42T>C (NM_001017369.3); c.352T>C (NM_006745.4); short protein forms Y118H.
Identifiers: ClinVar variation 1943548 (VCV001943548.6), dbSNP rs755943539, ClinGen allele CA3129956.
Genomic context (GRCh38, chr4:165,337,885, plus strand): 5'-TTCAAAGTTCTTCTCTTTAATCACTTCTGTATCCAGCTGCCTTTGATTTGTGGAACCTAT[T>C]ATTTTACAGAGTATTTCAATATTCCTTATGATTGGGAAAGAATGCCAAGATGGTACGTAG-3'
Protein context (NP_006736.1, residues 108-128): IQLPLICGTY[Tyr118His]FTEYFNIPYD

ClinVar aggregate classification (germline): Uncertain significance. Review status: criteria provided, multiple submitters, no conflicts (2 of 4 stars). 2 submissions from 2 submitters: Uncertain significance (2). Last evaluated 2025-08-13.

Allele frequency attached by ClinVar (database versions not stated): gnomAD exomes 0.00001; ExAC 0.00002.
gnomAD v4.1: 15 of 1,613,306 alleles (0.00093%); highest among the groups gnomAD compares: Non-Finnish European, 0.0012%; no homozygotes.

Submissions (2):

Ambry Genetics
Classification: Uncertain significance. Last evaluated: 2025-08-13. Review status: criteria provided, single submitter. Criteria: Ambry Variant Classification Scheme 2023. Collection method: clinical testing. Allele origin: germline.

Labcorp Genetics (formerly Invitae), Labcorp
Classification: Uncertain significance. Last evaluated: 2022-02-04. Review status: criteria provided, single submitter. Criteria: Invitae Variant Classification Sherloc (09022015). Collection method: clinical testing. Allele origin: germline.
Comment: This sequence change replaces tyrosine, which is neutral and polar, with histidine, which is basic and polar, at codon 118 of the MSMO1 protein (p.Tyr118His). In summary, the available evidence is currently insufficient to determine the role of this variant in disease. Therefore, it has been classified as a Variant of Uncertain Significance. Algorithms developed to predict the effect of missense changes on protein structure and function (SIFT, PolyPhen-2, Align-GVGD) all suggest that this variant is likely to be tolerated. This variant has not been reported in the literature in individuals affected with MSMO1-related conditions. This variant is present in population databases (rs755943539, gnomAD 0.004%).